The following is an entry in ClinVar:

NM_000539.3(RHO):c.115A>G (p.Met39Val)

Gene: RHO (rhodopsin; plus strand). Cytogenetic location: 3q22.1.
Variant type: single nucleotide variant.
Coding change: c.115A>G on transcript NM_000539.3 (MANE Select); coding-DNA position 115, A replaced by G.
Protein change: p.Met39Val; replaces methionine 39 with valine.
Molecular consequence: missense variant.
Genome position (GRCh38, 1-based): chr3:129,528,848, A>G. VCF-style: chr3-129528848-A-G. GRCh37 (hg19) VCF-style: chr3-129247691-A-G.
Other names: short protein forms M39V.
Identifiers: ClinVar variation 2105444 (VCV002105444.4), dbSNP rs776411064, ClinGen allele CA354495783.

ClinVar aggregate classification (germline): Uncertain significance (1 of 4 stars; one submission).

Submission:

Labcorp Genetics (formerly Invitae), Labcorp
Classification: Uncertain significance. Last evaluated: 2024-10-15. Review status: criteria provided, single submitter. Criteria: Invitae Variant Classification Sherloc (09022015). Collection method: clinical testing. Allele origin: germline.
Comment: This sequence change replaces methionine, which is neutral and non-polar, with valine, which is neutral and non-polar, at codon 39 of the RHO protein (p.Met39Val). This variant is not present in population databases (gnomAD no frequency). This variant has not been reported in the literature in individuals affected with RHO-related conditions. ClinVar contains an entry for this variant (Variation ID: 2105444). Invitae Evidence Modeling of protein sequence and biophysical properties (such as structural, functional, and spatial information, amino acid conservation, physicochemical variation, residue mobility, and thermodynamic stability) indicates that this missense variant is not expected to disrupt RHO protein function with a negative predictive value of 95%. This variant disrupts the p.Met39 amino acid residue in RHO. Other variant(s) that disrupt this residue have been determined to be pathogenic (PMID: 22791210, 25359768, 30977563). This suggests that this residue is clinically significant, and that variants that disrupt this residue are likely to be disease-causing. In summary, the available evidence is currently insufficient to determine the role of this variant in disease. Therefore, it has been classified as a Variant of Uncertain Significance.

Literature cited by the submitters: PubMed 22791210; PubMed 25359768; PubMed 30977563.